The following is an entry in ClinVar:

NM_001130144.3(LTBP3):c.76CTG[15] (p.Leu31_Leu35dup)

Gene: LTBP3 (latent transforming growth factor beta binding protein 3; minus strand). Cytogenetic location: 11q13.1.
Variant type: Microsatellite.
Coding change: c.76CTG[15] on transcript NM_001130144.3 (MANE Select); 15 copies in a row of the 3-base unit CTG starting at c.76; the reference has ten copies in a row; five copies, 15 bases duplicated.
Protein change: p.Leu31_Leu35dup.
Molecular consequence: inframe insertion. On other transcripts: 5 prime UTR variant (1).
Genome position (GRCh38, 1-based): chr11:65,557,855-65,557,869, CAGCAGCAGCAGCAG duplicated on the plus strand (CTGCTGCTGCTGCTG on the coding strand, the reverse complement: LTBP3 is on the minus strand); duplicating any 15 consecutive bases within chr11:65,557,855-65,557,885 gives the same sequence; the position shown is the placement nearest the transcript's 3' end. VCF-style (leftmost placement, unchanged base first): chr11-65557854-C-CCAGCAGCAGCAGCAG. GRCh37 (hg19) VCF-style: chr11-65325325-C-CCAGCAGCAGCAGCAG.
Other names: c.91_105dup15 (NM_001130144.2); c.-272CTG[15] (NM_001164266.1); c.76CTG[15], p.Leu31_Leu35dup (NM_021070.4).
Identifiers: ClinVar variation 1379244 (VCV001379244.9), dbSNP rs71036212, ClinGen allele CA679343491.

ClinVar aggregate classification (germline): Uncertain significance. Review status: criteria provided, multiple submitters, no conflicts (2 of 4 stars). 2 submissions from 2 submitters: Uncertain significance (2). Last evaluated 2026-04-09.

Conditions:
Brachyolmia-amelogenesis imperfecta syndrome. Also called: Tooth agenesis, selective, 6; Dental anomalies and short stature; PLATYSPONDYLY WITH AMELOGENESIS IMPERFECTA. Identifiers: Orphanet 2899, MedGen C1832594, MONDO:0011018, OMIM 601216. Disease mechanism: loss of function.
LTBP3-related disorder. Also called: LTBP3-related condition.

Submissions (2):

PreventionGenetics, part of Exact Sciences
Classification: Uncertain significance for LTBP3-related condition. Last evaluated: 2026-04-09. Review status: criteria provided, single submitter. Criteria: ACMG Guidelines, 2015. Collection method: clinical testing. Allele origin: germline.
Comment: The LTBP3 c.91_105dup15 variant is predicted to result in an in-frame duplication (p.Leu31_Leu35dup). To our knowledge, this variant has not been reported in the literature or in a large population database (gnomAD), indicating this variant is rare. At this time, the clinical significance of this variant is uncertain due to the absence of conclusive functional and genetic evidence.

Labcorp Genetics (formerly Invitae), Labcorp
Classification: Uncertain significance for Brachyolmia-amelogenesis imperfecta syndrome. Last evaluated: 2025-12-08. Review status: criteria provided, single submitter. Criteria: Invitae Variant Classification Sherloc (09022015). Collection method: clinical testing. Allele origin: germline.
Comment: This variant, c.91_105dup, results in the insertion of 5 amino acid(s) of the LTBP3 protein (p.Leu31_Leu35dup), but otherwise preserves the integrity of the reading frame. This variant is not present in population databases (gnomAD no frequency). This variant has not been reported in the literature in individuals affected with LTBP3-related conditions. Experimental studies and prediction algorithms are not available or were not evaluated, and the functional significance of this variant is currently unknown. In summary, the available evidence is currently insufficient to determine the role of this variant in disease. Therefore, it has been classified as a Variant of Uncertain Significance.